The following is an entry in ClinVar:

ClinVar aggregate classification (germline): Uncertain significance. Review status: criteria provided, multiple submitters, no conflicts (2 of 4 stars). 2 submissions from 2 submitters: Uncertain significance (2). Last evaluated 2026-01-21.

Conditions:
Ehlers-Danlos syndrome, classic type, 1 (EDSCL1). Also called: EHLERS-DANLOS SYNDROME, GRAVIS TYPE; EHLERS-DANLOS SYNDROME, SEVERE CLASSIC TYPE; Ehlers-Danlos syndrome, type 1; Ehlers-Danlos Syndrome, Classic Type, COL5A1-Related; EDS I. Identifiers: MedGen C0268335, MONDO:0019567, OMIM 130000.
Familial thoracic aortic aneurysm and aortic dissection (TAAD). Also called: Thoracic aortic aneurysms and dissections. Identifiers: Orphanet 91387, MedGen C4707243, MONDO:0019625.

gnomAD v4.1: 2 of 1,614,084 alleles (0.00012%); highest among the groups gnomAD compares: Non-Finnish European, 0.00017%; no homozygotes.

Submissions (2):

Ambry Genetics
Classification: Uncertain significance for Familial thoracic aortic aneurysm and aortic dissection. Last evaluated: 2026-01-21. Review status: criteria provided, single submitter. Criteria: Ambry Variant Classification Scheme 2023. Collection method: clinical testing. Allele origin: germline.

Labcorp Genetics (formerly Invitae), Labcorp
Classification: Uncertain significance for Ehlers-Danlos syndrome, classic type, 1. Last evaluated: 2023-02-13. Review status: criteria provided, single submitter. Criteria: Invitae Variant Classification Sherloc (09022015). Collection method: clinical testing. Allele origin: germline.
Comment: This sequence change replaces glutamic acid, which is acidic and polar, with glutamine, which is neutral and polar, at codon 359 of the COL5A1 protein (p.Glu359Gln). This variant is not present in population databases (gnomAD no frequency). This variant has not been reported in the literature in individuals affected with COL5A1-related conditions. Advanced modeling of protein sequence and biophysical properties (such as structural, functional, and spatial information, amino acid conservation, physicochemical variation, residue mobility, and thermodynamic stability) performed at Invitae indicates that this missense variant is not expected to disrupt COL5A1 protein function. In summary, the available evidence is currently insufficient to determine the role of this variant in disease. Therefore, it has been classified as a Variant of Uncertain Significance.

NM_000093.5(COL5A1):c.1075G>C (p.Glu359Gln)

Gene: COL5A1 (collagen type V alpha 1 chain; plus strand). Cytogenetic location: 9q34.3.
Variant type: single nucleotide variant.
Coding change: c.1075G>C on transcript NM_000093.5 (MANE Select); coding-DNA position 1075, G replaced by C.
Protein change: p.Glu359Gln; replaces glutamic acid 359 with glutamine.
Molecular consequence: missense variant.
Genome position (GRCh38, 1-based): chr9:134,730,386, G>C. VCF-style: chr9-134730386-G-C. GRCh37 (hg19) VCF-style: chr9-137622232-G-C.
Other names: c.1075G>C, p.Glu359Gln (NM_001278074.1); c.1075G>C (NM_000093.3); short protein forms E359Q.
Identifiers: ClinVar variation 2739926 (VCV002739926.4), dbSNP rs769752636, ClinGen allele CA375449853.